The following is an entry in ClinVar:

ClinVar aggregate classification (germline): Likely benign (0 of 4 stars; one submission).

Conditions:
CAPN10-related disorder. Also called: CAPN10-related disorders; CAPN10-related condition.

Allele frequency attached by ClinVar (database versions not stated): TOPMed 0.00003; ExAC 0.00005; gnomAD 0.00005; 1000 Genomes Project 30x 0.00016; 1000 Genomes Project 0.00020.
gnomAD v4.1: 96 of 1,613,182 alleles (0.006%); highest among the groups gnomAD compares: Non-Finnish European, 0.0075%; no homozygotes.

Submission:

PreventionGenetics, part of Exact Sciences
Classification: Likely benign for CAPN10-related condition. Last evaluated: 2019-05-02. Review status: no assertion criteria provided. Collection method: clinical testing. Allele origin: germline.
Comment: This variant is classified as likely benign based on ACMG/AMP sequence variant interpretation guidelines (Richards et al. 2015 PMID: 25741868, with internal and published modifications).

NM_023083.4(CAPN10):c.1341G>A (p.Ala447=)

Gene: CAPN10 (calpain 10; plus strand). Cytogenetic location: 2q37.3.
Variant type: single nucleotide variant.
Coding change: c.1341G>A on transcript NM_023083.4 (MANE Select); coding-DNA position 1341, G replaced by A.
Protein change: p.Ala447=; no amino-acid change (alanine 447 retained).
Molecular consequence: synonymous variant. On other transcripts: intron variant (1).
Genome position (GRCh38, 1-based): chr2:240,596,381, G>A. VCF-style: chr2-240596381-G-A. GRCh37 (hg19) VCF-style: chr2-241535798-G-A.
Other names: c.1278+1077G>A (NM_023085.4).
Identifiers: ClinVar variation 3037669 (VCV003037669.2), dbSNP rs529302384, ClinGen allele CA2205834.